The following is an entry in ClinVar:

ClinVar aggregate classification (germline): Benign/Likely benign. Review status: criteria provided, multiple submitters, no conflicts (2 of 4 stars). 2 submissions from 2 submitters: Benign (1); Likely benign (1). Last evaluated 2024-12-19.

Conditions:
Posterior polymorphous corneal dystrophy. Also called: Polymorphous corneal dystrophy; CORNEAL DYSTROPHY, HEREDITARY POLYMORPHOUS POSTERIOR. Identifiers: Orphanet 98973, MedGen C0339284, MONDO:0020364, HP:0007915.

Allele frequency attached by ClinVar (database versions not stated): 1000 Genomes Project 0.00020; TOPMed 0.00005; 1000 Genomes Project 30x 0.00016.
gnomAD v4.1: 64 of 1,614,114 alleles (0.004%); highest among the groups gnomAD compares: East Asian, 0.0067%; no homozygotes.

Submissions (2):

Labcorp Genetics (formerly Invitae), Labcorp
Classification: Likely benign. Last evaluated: 2024-12-19. Review status: criteria provided, single submitter. Criteria: Invitae Variant Classification Sherloc (09022015). Collection method: clinical testing. Allele origin: germline.

Illumina Laboratory Services, Illumina
Classification: Benign for Polymorphous corneal dystrophy. Last evaluated: 2018-01-13. Review status: criteria provided, single submitter. Criteria: ICSL Variant Classification Criteria 13 December 2019. Collection method: clinical testing. Allele origin: germline.
Comment: This variant was observed in the ICSL laboratory as part of a predisposition screen in an ostensibly healthy population. It had not been previously curated by ICSL or reported in the Human Gene Mutation Database (HGMD: prior to June 1st, 2018), and was therefore a candidate for classification through an automated scoring system. Utilizing variant allele frequency, disease prevalence and penetrance estimates, and inheritance mode, an automated score was calculated to assess if this variant is too frequent to cause the disease. Based on the score and internal cut-off values, a variant classified as benign is not then subjected to further curation. The score for this variant resulted in a classification of benign for this disease.

NM_014588.6(VSX1):c.612C>T (p.Pro204=)

Gene: VSX1 (visual system homeobox 1; minus strand). Cytogenetic location: 20p11.21.
Variant type: single nucleotide variant.
Coding change: c.612C>T on transcript NM_014588.6 (MANE Select); coding-DNA position 612, C replaced by T.
Protein change: p.Pro204=; no amino-acid change (proline 204 retained).
Molecular consequence: synonymous variant. On other transcripts: non-coding transcript variant (3).
Genome position (GRCh38, 1-based): chr20:25,078,844, G>A on the plus strand (C>T on the coding strand, the complement: VSX1 is on the minus strand). VCF-style: chr20-25078844-G-A. GRCh37 (hg19) VCF-style: chr20-25059480-G-A.
Other names: c.612C>T, p.Pro204= (NM_001256271.2, NM_001256272.2, NM_199425.3).
Identifiers: ClinVar variation 896935 (VCV000896935.8), dbSNP rs200369946, ClinGen allele CA9793573.